The following is an entry in ClinVar:

ClinVar aggregate classification (germline): Pathogenic (1 of 4 stars; one submission).

Conditions:
Inflammatory skin and bowel disease, neonatal, 1. Identifiers: Orphanet 294023, MedGen C3280501, MONDO:0013693, OMIM 614328.

Submission:

Aleixo Muise Laboratory, Hospital For Sick Children
Classification: Pathogenic for Inflammatory skin and bowel disease, neonatal, 1. Last evaluated: 2024-07-05. Review status: criteria provided, single submitter. Criteria: ACMG Guidelines, 2015. Collection method: research. Allele origin: germline. Affected: yes. Observed: 1 variant allele.
Comment: PVS1;PM2;PM5;PP3;PP4

NM_003183.6(ADAM17):c.308dup (p.Asn103fs)

Gene: ADAM17 (ADAM metallopeptidase domain 17; minus strand). Cytogenetic location: 2p25.1.
Variant type: Duplication.
Coding change: c.308dup on transcript NM_003183.6 (MANE Select); coding-DNA position 308, one base duplicated (A; older notation c.308dupA).
Protein change: p.Asn103fs; shifts the reading frame from asparagine 103.
Molecular consequence: frameshift variant. On other transcripts: 5 prime UTR variant (2).
Genome position (GRCh38, 1-based): chr2:9,536,751, T duplicated on the plus strand (A on the coding strand, the reverse complement: ADAM17 is on the minus strand); the first of 5 consecutive T bases (chr2:9,536,751-9,536,755); duplicating any one gives the same sequence. VCF-style (leftmost placement, unchanged base first): chr2-9536750-G-GT. GRCh37 (hg19) VCF-style: chr2-9676879-G-GT.
Other names: c.-373dup (NM_001382777.1); c.-615dup (NM_001382778.1); short protein forms N103fs.
Identifiers: ClinVar variation 3255337 (VCV003255337.1).